The following is an entry in ClinVar:

ClinVar aggregate classification (germline): Uncertain significance. Review status: criteria provided, multiple submitters, no conflicts (2 of 4 stars). 2 submissions from 2 submitters: Uncertain significance (2). Last evaluated 2021-12-17.

Allele frequency attached by ClinVar (database versions not stated): ExAC 0.00002; gnomAD 0.00002; gnomAD exomes 0.00002; TOPMed 0.00002.
gnomAD v4.1: 35 of 1,614,072 alleles (0.0022%); highest among the groups gnomAD compares: Non-Finnish European, 0.0022%; no homozygotes.

Submissions (2):

Labcorp Genetics (formerly Invitae), Labcorp
Classification: Uncertain significance. Last evaluated: 2021-12-17. Review status: criteria provided, single submitter. Criteria: Invitae Variant Classification Sherloc (09022015). Collection method: clinical testing. Allele origin: germline.
Comment: In summary, the available evidence is currently insufficient to determine the role of this variant in disease. Therefore, it has been classified as a Variant of Uncertain Significance. Variants that disrupt the consensus splice site are a relatively common cause of aberrant splicing (PMID: 17576681, 9536098). Algorithms developed to predict the effect of sequence changes on RNA splicing suggest that this variant may disrupt the consensus splice site. This variant has not been reported in the literature in individuals affected with DHX38-related conditions. This variant is present in population databases (rs753209637, gnomAD 0.004%). This sequence change falls in intron 16 of the DHX38 gene. It does not directly change the encoded amino acid sequence of the DHX38 protein. It affects a nucleotide within the consensus splice site.

Blueprint Genetics
Classification: Uncertain significance. Last evaluated: 2021-02-05. Review status: criteria provided, single submitter. Criteria: ACMG Guidelines, 2015. Collection method: clinical testing. Allele origin: germline.

Literature cited by the submitters: PubMed 17576681 (cited by Labcorp Genetics (formerly Invitae), Labcorp); PubMed 9536098 (cited by Labcorp Genetics (formerly Invitae), Labcorp).

NM_014003.4(DHX38):c.2262+5G>A

Gene: DHX38 (DEAH-box helicase 38; plus strand). Cytogenetic location: 16q22.2.
Variant type: single nucleotide variant.
Coding change: c.2262+5G>A on transcript NM_014003.4 (MANE Select); 5 bases into the intron after coding-DNA position 2262, G replaced by A.
Molecular consequence: intron variant.
Genome position (GRCh38, 1-based): chr16:72,105,142, G>A. VCF-style: chr16-72105142-G-A. GRCh37 (hg19) VCF-style: chr16-72139041-G-A.
Identifiers: ClinVar variation 2081596 (VCV002081596.5), dbSNP rs753209637, ClinGen allele CA8160581.